The following is an entry in ClinVar:

NM_013266.4(CTNNA3):c.1461G>T (p.Glu487Asp)

Gene: CTNNA3 (catenin alpha 3; minus strand). Cytogenetic location: 10q21.3.
Variant type: single nucleotide variant.
Coding change: c.1461G>T on transcript NM_013266.4 (MANE Select); coding-DNA position 1461, G replaced by T.
Protein change: p.Glu487Asp; replaces glutamic acid 487 with aspartic acid.
Molecular consequence: missense variant.
Genome position (GRCh38, 1-based): chr10:66,520,687, C>A on the plus strand (G>T on the coding strand, the complement: CTNNA3 is on the minus strand). VCF-style: chr10-66520687-C-A. GRCh37 (hg19) VCF-style: chr10-68280445-C-A.
Other names: c.1461G>T, p.Glu487Asp (NM_001127384.3); short protein forms E487D.
Identifiers: ClinVar variation 2007516 (VCV002007516.4), dbSNP rs779637505, ClinGen allele CA377091338.

ClinVar aggregate classification (germline): Uncertain significance (1 of 4 stars; one submission).

Conditions:
Arrhythmogenic right ventricular dysplasia 13. Also called: ARRHYTHMOGENIC RIGHT VENTRICULAR CARDIOMYOPATHY 13; Arrhythmogenic right ventricular dysplasia, familial, 13. Identifiers: MedGen C3810138, MONDO:0000908, OMIM 615616.

gnomAD v4.1: 2 of 1,612,034 alleles (0.00012%); highest among the groups gnomAD compares: Non-Finnish European, 0.00017%; no homozygotes.

Submission:

Labcorp Genetics (formerly Invitae), Labcorp
Classification: Uncertain significance for Arrhythmogenic right ventricular dysplasia 13. Last evaluated: 2022-06-16. Review status: criteria provided, single submitter. Criteria: Invitae Variant Classification Sherloc (09022015). Collection method: clinical testing. Allele origin: germline.
Comment: Algorithms developed to predict the effect of missense changes on protein structure and function (SIFT, PolyPhen-2, Align-GVGD) all suggest that this variant is likely to be tolerated. In summary, the available evidence is currently insufficient to determine the role of this variant in disease. Therefore, it has been classified as a Variant of Uncertain Significance. This variant has not been reported in the literature in individuals affected with CTNNA3-related conditions. This variant is not present in population databases (gnomAD no frequency). This sequence change replaces glutamic acid, which is acidic and polar, with aspartic acid, which is acidic and polar, at codon 487 of the CTNNA3 protein (p.Glu487Asp).